The following is an entry in ClinVar:

ClinVar aggregate classification (germline): Pathogenic. Review status: criteria provided, multiple submitters, no conflicts (2 of 4 stars). 2 submissions from 2 submitters: Pathogenic (2). Last evaluated 2019-05-28.

Conditions:
Duchenne muscular dystrophy (DMD). Also called: Duchenne Muscular Dystrophy (DMD); MUSCULAR DYSTROPHY, PSEUDOHYPERTROPHIC PROGRESSIVE, DUCHENNE TYPE. Identifiers: Orphanet 98896, MedGen C0013264, MONDO:0010679, OMIM 310200.

Submissions (2):

Mendelics
Classification: Pathogenic for Duchenne muscular dystrophy. Last evaluated: 2019-05-28. Review status: criteria provided, single submitter. Criteria: Mendelics Assertion Criteria 2017. Collection method: clinical testing. Allele origin: unknown.

Labcorp Genetics (formerly Invitae), Labcorp
Classification: Pathogenic for Duchenne muscular dystrophy. Last evaluated: 2017-10-23. Review status: criteria provided, single submitter. Criteria: Invitae Variant Classification Sherloc (09022015). Collection method: clinical testing. Allele origin: germline.
Comment: This sequence change creates a premature translational stop signal (p.Tyr286*) in the DMD gene. It is expected to result in an absent or disrupted protein product. This variant is not present in population databases (ExAC no frequency). This variant has not been reported in the literature in individuals with DMD-related disease. Loss-of-function variants in DMD are known to be pathogenic (PMID: 16770791, 25007885). For these reasons, this variant has been classified as Pathogenic.

NM_004006.3(DMD):c.857dup (p.Tyr286Ter)

Gene: DMD (dystrophin; minus strand). Cytogenetic location: Xp21.1.
Variant type: Duplication.
Coding change: c.857dup on transcript NM_004006.3 (MANE Select); coding-DNA position 857, one base duplicated (A; older notation c.857dupA).
Protein change: p.Tyr286Ter; replaces tyrosine 286 with a stop codon.
Molecular consequence: nonsense.
Genome position (GRCh38, 1-based): chrX:32,697,973, T duplicated on the plus strand (A on the coding strand, the reverse complement: DMD is on the minus strand). VCF-style (leftmost placement, unchanged base first): chrX-32697972-A-AT. GRCh37 (hg19) VCF-style: chrX-32716089-A-AT.
Other names: c.857dupA (NM_004006.2); c.833dup, p.Tyr278Ter (NM_000109.4); c.845dup, p.Tyr282Ter (NM_004009.3); c.488dup, p.Tyr163Ter (NM_004010.3); short protein forms Y286*, Y163*, Y278*, Y282*.
Identifiers: ClinVar variation 526063 (VCV000526063.2), dbSNP rs1556929259, ClinGen allele CA658799703.